The following is an entry in ClinVar:

NM_000726.5(CACNB4):c.757A>G (p.Arg253Gly)

Gene: CACNB4 (calcium voltage-gated channel auxiliary subunit beta 4; minus strand). Cytogenetic location: 2q23.3.
Variant type: single nucleotide variant.
Coding change: c.757A>G on transcript NM_000726.5 (MANE Select); coding-DNA position 757, A replaced by G.
Protein change: p.Arg253Gly; replaces arginine 253 with glycine.
Molecular consequence: missense variant. On other transcripts: intron variant (3).
Genome position (GRCh38, 1-based): chr2:151,869,178, T>C on the plus strand (A>G on the coding strand, the complement: CACNB4 is on the minus strand). VCF-style: chr2-151869178-T-C. GRCh37 (hg19) VCF-style: chr2-152725692-T-C.
Other names: c.703A>G, p.Arg235Gly (NM_001005746.4); c.655A>G, p.Arg219Gly (NM_001005747.4); c.757A>G, p.Arg253Gly (NM_001145798.3); c.616A>G, p.Arg206Gly (NM_001320722.3, NM_001330118.2); c.103A>G, p.Arg35Gly (NM_001330114.2); c.199A>G, p.Arg67Gly (NM_001330117.2); c.625+1353A>G (NM_001330113.2); c.577+1353A>G (NM_001330115.2); and 1 more; short protein forms R206G, R219G, R235G, R253G, R35G, R67G.
Identifiers: ClinVar variation 1060025 (VCV001060025.9), dbSNP rs2151401327, ClinGen allele CA348796419.

ClinVar aggregate classification (germline): Uncertain significance (1 of 4 stars; one submission).

Conditions:
Idiopathic generalized epilepsy. Also called: EIG; Generalised epilepsy. Identifiers: MedGen C0270850, MONDO:0005579, OMIM 600669.

Submission:

Labcorp Genetics (formerly Invitae), Labcorp
Classification: Uncertain significance for Idiopathic generalized epilepsy. Last evaluated: 2020-03-17. Review status: criteria provided, single submitter. Criteria: Invitae Variant Classification Sherloc (09022015). Collection method: clinical testing. Allele origin: germline.
Comment: In summary, the available evidence is currently insufficient to determine the role of this variant in disease. Therefore, it has been classified as a Variant of Uncertain Significance. Algorithms developed to predict the effect of sequence changes on RNA splicing suggest that this variant may disrupt the consensus splice site, but this prediction has not been confirmed by published transcriptional studies. Algorithms developed to predict the effect of missense changes on protein structure and function are either unavailable or do not agree on the potential impact of this missense change (SIFT: "Deleterious"; PolyPhen-2: "Benign"; Align-GVGD: "Class C0"). This variant has not been reported in the literature in individuals with CACNB4-related conditions. This variant is not present in population databases (ExAC no frequency). This sequence change replaces arginine with glycine at codon 253 of the CACNB4 protein (p.Arg253Gly). The arginine residue is highly conserved and there is a moderate physicochemical difference between arginine and glycine.